The following is an entry in ClinVar:

ClinVar aggregate classification (germline): Pathogenic (1 of 4 stars; one submission).

Conditions:
Oligodontia-cancer predisposition syndrome. Also called: TOOTH AGENESIS-COLORECTAL CANCER SYNDROME. Identifiers: Orphanet 300576, MedGen C1837750, MONDO:0012075, OMIM 608615. Disease mechanism: loss of function.

Submission:

Labcorp Genetics (formerly Invitae), Labcorp
Classification: Pathogenic for Oligodontia-cancer predisposition syndrome. Last evaluated: 2018-12-09. Review status: criteria provided, single submitter. Criteria: Invitae Variant Classification Sherloc (09022015). Collection method: clinical testing. Allele origin: germline.
Comment: For these reasons, this variant has been classified as Pathogenic. Loss-of-function variants in AXIN2 are known to be pathogenic (PMID: 15042511, 21416598). This variant has not been reported in the literature in individuals with AXIN2-related disease. This variant is not present in population databases (ExAC no frequency). This sequence change creates a premature translational stop signal (p.Gln346*) in the AXIN2 gene. It is expected to result in an absent or disrupted protein product.

Literature cited by the submitters: PubMed 15042511; PubMed 21416598.

NM_004655.4(AXIN2):c.1036C>T (p.Gln346Ter)

Gene: AXIN2 (axin 2; minus strand). Cytogenetic location: 17q24.1.
Variant type: single nucleotide variant.
Coding change: c.1036C>T on transcript NM_004655.4 (MANE Select); coding-DNA position 1036, C replaced by T.
Protein change: p.Gln346Ter; replaces glutamine 346 with a stop codon.
Molecular consequence: nonsense.
Genome position (GRCh38, 1-based): chr17:65,541,478, G>A on the plus strand (C>T on the coding strand, the complement: AXIN2 is on the minus strand). VCF-style: chr17-65541478-G-A. GRCh37 (hg19) VCF-style: chr17-63537596-G-A.
Other names: c.1036C>T (LRG_296t1); c.1036C>T, p.Gln346Ter (NM_001363813.1); short protein forms Q346*.
Identifiers: ClinVar variation 658114 (VCV000658114.6), dbSNP rs1598104209, ClinGen allele CA400679151.